The following is an entry in ClinVar:

ClinVar aggregate classification (germline): Benign. Review status: criteria provided, multiple submitters, no conflicts (2 of 4 stars). 11 submissions from 10 submitters: Benign (8). 3 of the submissions do not count toward it. Last evaluated 2026-02-04.

Conditions:
Collagen 6-related myopathy. Identifiers: MedGen CN117976, MONDO:0100225.
Ullrich congenital muscular dystrophy 1A. Also called: Ullrich congenital muscular dystrophy 1; Intermediate COL6-RD. Identifiers: Orphanet 75840, MedGen C0410179, MONDO:0009681, OMIM 254090.
Bethlem myopathy 1A. Also called: Bethlem myopathy 1; Bethlem Muscular Dystrophy; MYOPATHY, BENIGN CONGENITAL, WITH CONTRACTURES. Identifiers: Orphanet 610, MedGen CN029274, MONDO:0024530, OMIM 158810.

Allele frequency attached by ClinVar (database versions not stated): ESP Exome Variant Server 0.88063; gnomAD 0.87363 and 0.87616; 1000 Genomes Project 0.87420; gnomAD exomes 0.85850 and 0.86006; 1000 Genomes Project 30x 0.86587; TOPMed 0.88694.
gnomAD v4.1: 1,337,079 of 1,552,926 alleles (86%); highest among the groups gnomAD compares: Admixed American, 92%; 576,881 homozygotes.

Submissions (11):

Labcorp Genetics (formerly Invitae), Labcorp
Classification: Benign for Bethlem myopathy 1A. Last evaluated: 2026-02-04. Review status: criteria provided, single submitter. Criteria: Invitae Variant Classification Sherloc (09022015). Collection method: clinical testing. Allele origin: germline.

Genome-Nilou Lab
Classification: Benign for Bethlem myopathy 1A. Last evaluated: 2021-07-30. Review status: criteria provided, single submitter. Criteria: ACMG Guidelines, 2015. Collection method: clinical testing. Allele origin: germline. Affected: no.

Genome-Nilou Lab
Classification: Benign for Ullrich congenital muscular dystrophy 1A. Last evaluated: 2021-07-30. Review status: criteria provided, single submitter. Criteria: ACMG Guidelines, 2015. Collection method: clinical testing. Allele origin: germline. Affected: no.

Illumina Laboratory Services, Illumina
Classification: Benign for Collagen VI-related myopathy. Last evaluated: 2018-01-13. Review status: criteria provided, single submitter. Criteria: ICSL Variant Classification Criteria 13 December 2019. Collection method: clinical testing. Allele origin: germline.
Comment: This variant was observed in the ICSL laboratory as part of a predisposition screen in an ostensibly healthy population. It had not been previously curated by ICSL or reported in the Human Gene Mutation Database (HGMD: prior to June 1st, 2018), and was therefore a candidate for classification through an automated scoring system. Utilizing variant allele frequency, disease prevalence and penetrance estimates, and inheritance mode, an automated score was calculated to assess if this variant is too frequent to cause the disease. Based on the score and internal cut-off values, a variant classified as benign is not then subjected to further curation. The score for this variant resulted in a classification of benign for this disease.

GeneDx
Classification: Benign. Last evaluated: 2016-01-05. Review status: criteria provided, single submitter. Criteria: GeneDx Variant Classification (06012015). Collection method: clinical testing. Allele origin: germline. Affected: yes.
Comment: This variant is considered likely benign or benign based on one or more of the following criteria: it is a conservative change, it occurs at a poorly conserved position in the protein, it is predicted to be benign by multiple in silico algorithms, and/or has population frequency not consistent with disease.

Eurofins Ntd Llc (ga)
Classification: Benign. Last evaluated: 2015-12-09. Review status: criteria provided, single submitter. Criteria: EGL Classification Definitions 2015. Collection method: clinical testing. Allele origin: germline. Observed: 102 variant alleles, 29 heterozygotes, 73 homozygotes.

Breakthrough Genomics
Classification: Benign. Review status: criteria provided, single submitter. Criteria: ACMG Guidelines, 2015. Collection method: not provided. Allele origin: germline. Inheritance: Autosomal recessive inheritance. Affected: yes.

PreventionGenetics, part of Exact Sciences
Classification: Benign. Review status: criteria provided, single submitter. Criteria: ACMG Guidelines, 2015. Collection method: clinical testing. Allele origin: germline.

Clinical Genetics, Academic Medical Center
Classification: Benign. Review status: no assertion criteria provided. Collection method: clinical testing. Allele origin: germline. Affected: yes. Study: VKGL Data-share Consensus. Not counted in ClinVar's aggregate classification.

Diagnostic Laboratory, Department of Genetics, University Medical Center Groningen
Classification: Benign. Review status: no assertion criteria provided. Collection method: clinical testing. Allele origin: germline. Affected: yes. Study: VKGL Data-share Consensus. Not counted in ClinVar's aggregate classification.

Joint Genome Diagnostic Labs from Nijmegen and Maastricht, Radboudumc and MUMC+
Classification: Benign. Review status: no assertion criteria provided. Collection method: clinical testing. Allele origin: germline. Affected: yes. Study: VKGL Data-share Consensus. Not counted in ClinVar's aggregate classification.

NM_001848.3(COL6A1):c.2434+15A>G

Gene: COL6A1 (collagen type VI alpha 1 chain; plus strand). Cytogenetic location: 21q22.3.
Variant type: single nucleotide variant.
Coding change: c.2434+15A>G on transcript NM_001848.3 (MANE Select); 15 bases into the intron after coding-DNA position 2434, A replaced by G.
Molecular consequence: intron variant.
Genome position (GRCh38, 1-based): chr21:46,002,725, A>G. VCF-style: chr21-46002725-A-G. GRCh37 (hg19) VCF-style: chr21-47422639-A-G.
Identifiers: ClinVar variation 93854 (VCV000093854.27), dbSNP rs2236485, ClinGen allele CA147370.